The following is an entry in ClinVar:

ClinVar aggregate classification (germline): Uncertain significance (1 of 4 stars; one submission).

Conditions:
Hereditary diffuse gastric adenocarcinoma (HDGC). Also called: DIFFUSE GASTRIC AND LOBULAR BREAST CANCER SYNDROME. Identifiers: Orphanet 26106, MedGen C1708349, MONDO:0007648, OMIM 137215.

Allele frequency attached by ClinVar (database versions not stated): gnomAD exomes below 0.00001.
gnomAD v4.1: 1 of 1,613,858 alleles (0.000062%); highest among the groups gnomAD compares: Non-Finnish European, 0.000085%; no homozygotes.

Submission:

Labcorp Genetics (formerly Invitae), Labcorp
Classification: Uncertain significance for Hereditary diffuse gastric adenocarcinoma. Last evaluated: 2019-01-29. Review status: criteria provided, single submitter. Criteria: Invitae Variant Classification Sherloc (09022015). Collection method: clinical testing. Allele origin: germline.
Comment: In summary, the available evidence is currently insufficient to determine the role of this variant in disease. Therefore, it has been classified as a Variant of Uncertain Significance. Algorithms developed to predict the effect of sequence changes on RNA splicing suggest that this variant may disrupt the consensus splice site, but this prediction has not been confirmed by published transcriptional studies. Algorithms developed to predict the effect of missense changes on protein structure and function are either unavailable or do not agree on the potential impact of this missense change (SIFT: "Deleterious"; PolyPhen-2: "Probably Damaging"; Align-GVGD: "Class C0"). This variant has not been reported in the literature in individuals with CDH1-related conditions. This variant is not present in population databases (ExAC no frequency). This sequence change replaces glycine with alanine at codon 278 of the CDH1 protein (p.Gly278Ala). The glycine residue is highly conserved and there is a small physicochemical difference between glycine and alanine.

NM_004360.5(CDH1):c.833G>C (p.Gly278Ala)

Gene: CDH1 (cadherin 1; plus strand). Cytogenetic location: 16q22.1.
Variant type: single nucleotide variant.
Coding change: c.833G>C on transcript NM_004360.5 (MANE Select); coding-DNA position 833, G replaced by C.
Protein change: p.Gly278Ala; replaces glycine 278 with alanine.
Molecular consequence: missense variant. On other transcripts: 5 prime UTR variant (2).
Genome position (GRCh38, 1-based): chr16:68,811,684, G>C. VCF-style: chr16-68811684-G-C. GRCh37 (hg19) VCF-style: chr16-68845587-G-C.
Other names: c.833G>C, p.Gly278Ala (NM_001317184.2); c.-783G>C (NM_001317185.2); c.-987G>C (NM_001317186.2); short protein forms G278A.
Identifiers: ClinVar variation 851286 (VCV000851286.10), dbSNP rs1555515597, ClinGen allele CA396459539.
Genomic context (GRCh38, chr16:68,811,684, plus strand): 5'-GTATTGACCCAGTCCCAAAGTGCAGCTTGTCTAAACCTTCATCTCCTTGAACTCTTCCAG[G>C]AACCTCTGTGATGGAGGTCACAGCCACAGACGCGGACGATGATGTGAACACCTACAATGC-3'
Protein context (NP_004351.1, residues 268-288): KGSVMEGALP[Gly278Ala]TSVMEVTATD